The following is an entry in ClinVar:

ClinVar aggregate classification (germline): Uncertain significance (1 of 4 stars; one submission).

Conditions:
Complement factor b deficiency. Identifiers: MedGen C3809950, MONDO:0014255, OMIM 615561.
Atypical hemolytic-uremic syndrome with B factor anomaly. Also called: HEMOLYTIC UREMIC SYNDROME, ATYPICAL, SUSCEPTIBILITY TO, 4; AHUS, SUSCEPTIBILITY TO, 4. Identifiers: Orphanet 2134, MedGen C2752038, MONDO:0013042, OMIM 612924.

Allele frequency attached by ClinVar (database versions not stated): ExAC 0.00001.

Submission:

Labcorp Genetics (formerly Invitae), Labcorp
Classification: Uncertain significance. Last evaluated: 2022-09-28. Review status: criteria provided, single submitter. Criteria: Invitae Variant Classification Sherloc (09022015). Collection method: clinical testing. Allele origin: germline.
Comment: Advanced modeling of protein sequence and biophysical properties (such as structural, functional, and spatial information, amino acid conservation, physicochemical variation, residue mobility, and thermodynamic stability) performed at Invitae indicates that this missense variant is not expected to disrupt CFB protein function. In summary, the available evidence is currently insufficient to determine the role of this variant in disease. Therefore, it has been classified as a Variant of Uncertain Significance. This variant has not been reported in the literature in individuals affected with CFB-related conditions. This sequence change replaces histidine, which is basic and polar, with tyrosine, which is neutral and polar, at codon 535 of the CFB protein (p.His535Tyr). This variant is present in population databases (rs202094896, gnomAD 0.002%).

NM_001710.6(CFB):c.1603C>T (p.His535Tyr)

Gene: CFB (complement factor B; plus strand). Cytogenetic location: 6p21.33.
Variant type: single nucleotide variant.
Coding change: c.1603C>T on transcript NM_001710.6 (MANE Select); coding-DNA position 1603, C replaced by T.
Protein change: p.His535Tyr; replaces histidine 535 with tyrosine.
Molecular consequence: missense variant.
Genome position (GRCh38, 1-based): chr6:31,950,382, C>T. VCF-style: chr6-31950382-C-T. GRCh37 (hg19) VCF-style: chr6-31918159-C-T.
Other names: short protein forms H535Y.
Identifiers: ClinVar variation 1959340 (VCV001959340.6), dbSNP rs202094896, ClinGen allele CA3728374.